The following is an entry in ClinVar:

ClinVar aggregate classification (germline): Pathogenic. Review status: criteria provided, multiple submitters, no conflicts (2 of 4 stars). 5 submissions from 5 submitters: Pathogenic (4). 1 of the submissions does not count toward it. Last evaluated 2025-04-29.

Conditions:
Cystic fibrosis (CF). Also called: MUCOVISCIDOSIS. Identifiers: Orphanet 586, MedGen C0010674, MONDO:0009061, OMIM 219700. Disease mechanism: loss of function.
Bronchiectasis with or without elevated sweat chloride 1 (BESC1). Also called: Cystic Fibrosis-Like Syndrome. Identifiers: Orphanet 60033, MedGen C2749757, MONDO:0008887, OMIM 211400.

Allele frequency attached by ClinVar (database versions not stated): gnomAD exomes 0.00001; gnomAD 0.00001.
gnomAD v4.1: 6 of 1,613,360 alleles (0.00037%); highest among the groups gnomAD compares: Non-Finnish European, 0.00025%; no homozygotes.

Submissions (5):

Labcorp Genetics (formerly Invitae), Labcorp
Classification: Pathogenic for Cystic fibrosis. Last evaluated: 2025-04-29. Review status: criteria provided, single submitter. Criteria: Invitae Variant Classification Sherloc (09022015). Collection method: clinical testing. Allele origin: germline.
Comment: This sequence change replaces tryptophan, which is neutral and slightly polar, with arginine, which is basic and polar, at codon 1282 of the CFTR protein (p.Trp1282Arg). This variant is not present in population databases (gnomAD no frequency). This missense change has been observed in individual(s) with cystic fibrosis (PMID: 29504914, 30548586; internal data). In at least one individual the data is consistent with being in trans (on the opposite chromosome) from a pathogenic variant. It has also been observed to segregate with disease in related individuals. ClinVar contains an entry for this variant (Variation ID: 53820). Invitae Evidence Modeling of protein sequence and biophysical properties (such as structural, functional, and spatial information, amino acid conservation, physicochemical variation, residue mobility, and thermodynamic stability) indicates that this missense variant is expected to disrupt CFTR protein function with a positive predictive value of 80%. For these reasons, this variant has been classified as Pathogenic.

Ambry Genetics
Classification: Pathogenic for Cystic fibrosis. Last evaluated: 2025-04-25. Review status: criteria provided, single submitter. Criteria: Ambry Variant Classification Scheme 2023. Collection method: clinical testing. Allele origin: germline.
Comment: The p.W1282R pathogenic mutation (also known as c.3844T>C), located in coding exon 23 of the CFTR gene, results from a T to C substitution at nucleotide position 3844. The tryptophan at codon 1282 is replaced by arginine, an amino acid with dissimilar properties. This variant was originally reported in an individual diagnosed with cystic fibrosis; however, the presence of second CFTR variant was unknown (Ivaschenko TE et al. Hum Genet, 1993 Mar;91:63-5). The variant has also been reported in multiple individuals diagnosed with cystic fibrosis who had a second CFTR pathogenic variant (Ivanov M et al. BMC Med Genomics, 2018 02;11:13; Petrova NV et al. Clin Genet, 2019 03;95:444-447; Petrova NV et al. Genes (Basel), 2020 05;11(5):554; Petrova NV et al. Genes (Basel), 2020 9;11(10):1137). The variant also had minimal CFTR function in FRT cells (Phuan PW et al. Sci Rep, 2019 11;9:17640). Based on internal structural analysis, this variant is anticipated to result in a decrease in structural stability (Liu F et al. Cell, 2017 03;169:85-95.e8). This amino acid position is highly conserved in available vertebrate species. This variant is considered to be rare based on population cohorts in the Genome Aggregation Database (gnomAD). In addition, this alteration is predicted to be deleterious by in silico analysis. Based on the supporting evidence, this variant is interpreted as a disease-causing mutation.

Baylor Genetics
Classification: Pathogenic for Bronchiectasis with or without elevated sweat chloride 1. Last evaluated: 2023-07-12. Review status: criteria provided, single submitter. Criteria: ACMG Guidelines, 2015. Collection method: clinical testing. Allele origin: unknown.

Institute of Human Genetics, University of Leipzig Medical Center
Classification: Pathogenic for Cystic fibrosis. Last evaluated: 2022-09-05. Review status: criteria provided, single submitter. Criteria: ACMG Guidelines, 2015. Collection method: curation. Allele origin: unknown. Affected: yes. Observed: 1 variant allele.
Comment: The variant was classified in the context of a project re-classifying variants in the German Cystic Fibrosis Registry (Muko.e.V.). Criteria applied: PM3_VSTR, PM5_STR, PP3, PP4

ClinVar Staff, National Center for Biotechnology Information (NCBI)
No classification provided. Condition: CFTR-related disorders. Review status: no classification provided. Collection method: literature only. Allele origin: germline. Affected: yes. Not counted in ClinVar's aggregate classification.

Literature cited by the submitters: PubMed 29504914 (cited by Labcorp Genetics (formerly Invitae), Labcorp and Ambry Genetics); PubMed 30548586 (cited by Labcorp Genetics (formerly Invitae), Labcorp and Ambry Genetics); PubMed 28340353 (cited by Ambry Genetics); PubMed 31776420 (cited by Ambry Genetics); PubMed 32429104 (cited by Ambry Genetics); PubMed 32992607 (cited by Ambry Genetics); PubMed 7681034 (cited by Ambry Genetics and ClinVar Staff, National Center for Biotechnology Information (NCBI)).

NM_000492.4(CFTR):c.3844T>C (p.Trp1282Arg)

Genes: CFTR (CF transmembrane conductance regulator; plus strand), CFTR-AS2 (CFTR antisense RNA 2; minus strand). Cytogenetic location: 7q31.2.
Variant type: single nucleotide variant.
Coding change: c.3844T>C on transcript NM_000492.4 (MANE Select); coding-DNA position 3844, T replaced by C.
Protein change: p.Trp1282Arg; replaces tryptophan 1282 with arginine.
Molecular consequence: missense variant.
Genome position (GRCh38, 1-based): chr7:117,642,564, T>C. VCF-style: chr7-117642564-T-C. GRCh37 (hg19) VCF-style: chr7-117282618-T-C.
Other names: short protein forms W1282R.
Identifiers: ClinVar variation 53820 (VCV000053820.13), dbSNP rs397508616, ClinGen allele CA327304.
Genomic context (GRCh38, chr7:117,642,564, plus strand): 5'-AACACTGAAGGAGAAATCCAGATCGATGGTGTGTCTTGGGATTCAATAACTTTGCAACAG[T>C]GGAGGAAAGCCTTTGGAGTGATACCACAGGTGAGCAAAAGGACTTAGCCAGAAAAAAGGC-3'
Protein context (NP_000483.3, residues 1272-1292): VSWDSITLQQ[Trp1282Arg]RKAFGVIPQK